The following is an entry in ClinVar:

ClinVar aggregate classification (germline): Benign/Likely benign. Review status: criteria provided, multiple submitters, no conflicts (2 of 4 stars). 9 submissions from 9 submitters: Benign (3); Likely benign (5). 1 of the submissions does not count toward it. Last evaluated 2026-07-01.

Conditions:
HNF1A-related disorder. Also called: HNF1A-related condition.
Maturity-onset diabetes of the young (MODY). Also called: Maturity onset diabetes mellitus in young. Identifiers: Orphanet 552, MedGen C0342276, MONDO:0018911, HP:0004904.

Allele frequency attached by ClinVar (database versions not stated): ESP Exome Variant Server 0.00008; 1000 Genomes Project 30x 0.00031; gnomAD exomes 0.00037 and 0.00015; gnomAD 0.00017; 1000 Genomes Project 0.00020; TOPMed 0.00025; ExAC 0.00028.
gnomAD v4.1: 249 of 1,609,674 alleles (0.015%); highest among the groups gnomAD compares: Admixed American, 0.035%; 1 homozygote.

Submissions (9):

CeGaT Center for Human Genetics Tuebingen
Classification: Likely benign. Last evaluated: 2026-07-01. Review status: criteria provided, single submitter. Criteria: CeGaT Center For Human Genetics Tuebingen Variant Classification Criteria Version 2. Collection method: clinical testing. Allele origin: germline. Affected: yes. Observed: 17 variant alleles.
Comment: HNF1A: BP4, BP7

Labcorp Genetics (formerly Invitae), Labcorp
Classification: Benign. Last evaluated: 2026-01-26. Review status: criteria provided, single submitter. Criteria: Invitae Variant Classification Sherloc (09022015). Collection method: clinical testing. Allele origin: germline.

Blueprint Genetics
Classification: Likely benign. Last evaluated: 2024-10-07. Review status: criteria provided, single submitter. Criteria: ACMG Guidelines, 2015. Collection method: clinical testing. Allele origin: germline.

Ambry Genetics
Classification: Likely benign for Maturity-onset diabetes of the young. Last evaluated: 2023-04-22. Review status: criteria provided, single submitter. Criteria: Ambry Variant Classification Scheme 2023. Collection method: clinical testing. Allele origin: germline.

GeneDx
Classification: Likely benign. Last evaluated: 2021-05-29. Review status: criteria provided, single submitter. Criteria: GeneDx Variant Classification Process June 2021. Collection method: clinical testing. Allele origin: germline. Affected: yes.

Genetic Services Laboratory, University of Chicago
Classification: Likely benign. Last evaluated: 2020-03-02. Review status: criteria provided, single submitter. Criteria: ACMG Guidelines, 2015. Collection method: clinical testing. Allele origin: germline. Affected: no.

Athena Diagnostics
Classification: Benign. Last evaluated: 2017-09-06. Review status: criteria provided, single submitter. Criteria: Athena Diagnostics Criteria. Collection method: clinical testing. Allele origin: germline.

Clinical Genomics, Uppaluri K&H Personalized Medicine Clinic
Classification: Benign for Maturity-onset diabetes of the young. Review status: criteria provided, single submitter. Criteria: K & H Uppaluri Personalized Medicine Clinic Variant Classification & Assertion Criteria_Updated V.1. Collection method: research. Allele origin: unknown. Inheritance: Autosomal dominant inheritance.
Comment: Mutations in HNF1A gene can predispose to MODY3. It is associated with both micro and macrovascular complications of diabetes, especially cardiovascular complications. Associated with glucosuria. May respond well to sulfonylureas. However, more evidence is required to confer the association of this particular variant rs201694197 with MODY3.

PreventionGenetics, part of Exact Sciences
Classification: Benign for HNF1A-related condition. Last evaluated: 2019-09-12. Review status: no assertion criteria provided. Collection method: clinical testing. Allele origin: germline. Not counted in ClinVar's aggregate classification.
Comment: This variant is classified as benign based on ACMG/AMP sequence variant interpretation guidelines (Richards et al. 2015 PMID: 25741868, with internal and published modifications).

Literature cited by the submitters: PubMed 31517624 (cited by Clinical Genomics, Uppaluri K&H Personalized Medicine Clinic); PubMed 35328643 (cited by Clinical Genomics, Uppaluri K&H Personalized Medicine Clinic); PubMed 32395877 (cited by Clinical Genomics, Uppaluri K&H Personalized Medicine Clinic); PubMed 35673428 (cited by Clinical Genomics, Uppaluri K&H Personalized Medicine Clinic).

NM_000545.8(HNF1A):c.1500C>T (p.His500=)

Gene: HNF1A (HNF1 homeobox A; plus strand). Cytogenetic location: 12q24.31.
Variant type: single nucleotide variant.
Coding change: c.1500C>T on transcript NM_000545.8 (MANE Select); coding-DNA position 1500, C replaced by T.
Protein change: p.His500=; no amino-acid change (histidine 500 retained).
Molecular consequence: synonymous variant.
Genome position (GRCh38, 1-based): chr12:120,997,664, C>T. VCF-style: chr12-120997664-C-T. GRCh37 (hg19) VCF-style: chr12-121435467-C-T.
Other names: c.1500C>T, p.His500= (NM_001306179.2).
Identifiers: ClinVar variation 586786 (VCV000586786.53), dbSNP rs201694197, ClinGen allele CA6832058.
Genomic context (GRCh38, chr12:120,997,664, plus strand): 5'-GCAGAGCCATGTGACCCAGAGCCCCTTCATGGCCACCATGGCTCAGCTGCAGAGCCCCCA[C>T]GGTGAGCGCCCTGTGCCCCACACAGCAGGAGATGATGATAGAGGTTGGCTGTCAATGGAT-3'
Protein context (NP_000536.6, residues 490-510): MATMAQLQSP[His500=]ALYSHKPEVA